The following is an entry in ClinVar:

ClinVar aggregate classification (germline): Conflicting classifications of pathogenicity. Review status: criteria provided, conflicting classifications (1 of 4 stars). 5 submissions from 5 submitters: Likely pathogenic (3); Uncertain significance (1). 1 of the submissions does not count toward it. Last evaluated 2026-05-21.

Conditions:
Arthrogryposis multiplex congenita 6. Identifiers: MedGen C5543431, MONDO:0030281, OMIM 619334.
Nemaline myopathy 2 (NEM2). Also called: Nemaline myopathy 2, autosomal recessive. Identifiers: MedGen C1850569, MONDO:0009725, OMIM 256030.

Allele frequency attached by ClinVar (database versions not stated): gnomAD 0.00001 and 0.00002; TOPMed 0.00004.
gnomAD v4.1: 35 of 1,600,302 alleles (0.0022%); highest among the groups gnomAD compares: Non-Finnish European, 0.0026%; no homozygotes.

Submissions (5):

Myriad Genetics, Inc.
Classification: Uncertain significance for Nemaline myopathy 2. Last evaluated: 2026-05-21. Review status: criteria provided, single submitter. Criteria: Myriad Autosomal Dominant, Autosomal Recessive and X-Linked Classification Criteria (2023). Collection method: clinical testing. Allele origin: unknown.
Comment: NM_001271208.1(NEB):c.23556+1G>T is a variant in a canonical splice site classified as a variant of uncertain significance in the context of NEB-related nemaline myopathy. c.23556+1G>T has not been observed in cases with relevant disease. Relevant functional assessments of this variant are not available in the literature. c.23556+1G>T has not been observed in referenced population frequency databases. In summary, there is insufficient evidence to classify NM_001271208.1(NEB):c.23556+1G>T as pathogenic or benign. Please note: this variant was assessed in the context of healthy population screening.

Labcorp Genetics (formerly Invitae), Labcorp
Classification: Likely pathogenic for Nemaline myopathy 2. Last evaluated: 2025-10-08. Review status: criteria provided, single submitter. Criteria: Invitae Variant Classification Sherloc (09022015). Collection method: clinical testing. Allele origin: germline.
Comment: This sequence change affects a donor splice site in intron 163 of the NEB gene. It is expected to disrupt RNA splicing. Variants that disrupt the donor or acceptor splice site typically lead to a loss of protein function (PMID: 16199547), and loss-of-function variants in NEB are known to be pathogenic (PMID: 25205138). This variant is present in population databases (no rsID available, gnomAD 0.0009%). This variant has not been reported in the literature in individuals affected with NEB-related conditions. ClinVar contains an entry for this variant (Variation ID: 558659). Algorithms developed to predict the effect of sequence changes on RNA splicing suggest that this variant may disrupt the consensus splice site. In summary, the currently available evidence indicates that the variant is pathogenic, but additional data are needed to prove that conclusively. Therefore, this variant has been classified as Likely Pathogenic.

Fulgent Genetics
Classification: Likely pathogenic for Nemaline myopathy 2; Arthrogryposis multiplex congenita 6. Last evaluated: 2024-06-21. Review status: criteria provided, single submitter. Criteria: ACMG Guidelines, 2015. Collection method: clinical testing. Allele origin: germline.

Baylor Genetics
Classification: Likely pathogenic for Arthrogryposis multiplex congenita 6. Last evaluated: 2024-03-19. Review status: criteria provided, single submitter. Criteria: ACMG Guidelines, 2015. Collection method: clinical testing. Allele origin: unknown.

Counsyl
Classification: Likely pathogenic for Nemaline myopathy 2. Last evaluated: 2018-06-01. Review status: no assertion criteria provided. Collection method: clinical testing. Allele origin: unknown. Not counted in ClinVar's aggregate classification.

Literature cited by the submitters: PubMed 16199547 (cited by Labcorp Genetics (formerly Invitae), Labcorp); PubMed 25205138 (cited by Labcorp Genetics (formerly Invitae), Labcorp).

NM_001164508.2(NEB):c.23451+1G>T

Genes: NEB (nebulin; minus strand), RIF1 (replication timing regulatory factor 1; plus strand). Cytogenetic location: 2q23.3.
Variant type: single nucleotide variant.
Coding change: c.23451+1G>T on transcript NM_001164508.2 (MANE Select); the canonical splice donor site of the intron after coding-DNA position 23451, G replaced by T.
Molecular consequence: splice donor variant.
Genome position (GRCh38, 1-based): chr2:151,508,004, C>A on the plus strand (G>T on the coding strand, the complement: NEB is on the minus strand). VCF-style: chr2-151508004-C-A. GRCh37 (hg19) VCF-style: chr2-152364518-C-A.
Other names: c.18348+1G>T (NM_004543.5); c.23451+1G>T (NM_001164507.2); c.23556+1G>T (NM_001271208.2).
Identifiers: ClinVar variation 558659 (VCV000558659.14), dbSNP rs1011425121, ClinGen allele CA57676889.
Genomic context (GRCh38, chr2:151,508,004, plus strand): 5'-GCATCTTCCTCAGCACCCCTAGGTGCCTGTGGGCTGTGCCTTACATTTAATAAAAACTTA[C>A]AAGGCTGAAGTTCTTTTGGTTCTCCCGGACTCTCTGTATCTCTGGGGTGTCCAAAACAGT-3'